The following is an entry in ClinVar:

NM_004960.4(FUS):c.1211G>T (p.Gly404Val)

Gene: FUS (FUS RNA binding protein; plus strand). Cytogenetic location: 16p11.2.
Variant type: single nucleotide variant.
Coding change: c.1211G>T on transcript NM_004960.4 (MANE Select); coding-DNA position 1211, G replaced by T.
Protein change: p.Gly404Val; replaces glycine 404 with valine.
Molecular consequence: missense variant. On other transcripts: non-coding transcript variant (1).
Genome position (GRCh38, 1-based): chr16:31,190,317, G>T. VCF-style: chr16-31190317-G-T. GRCh37 (hg19) VCF-style: chr16-31201638-G-T.
Other names: c.1208G>T, p.Gly403Val (NM_001170634.1); c.1199G>T, p.Gly400Val (NM_001170937.1); short protein forms G400V, G403V, G404V.
Identifiers: ClinVar variation 2430433 (VCV002430433.2), dbSNP rs1196478087, ClinGen allele CA395674868.

ClinVar aggregate classification (germline): Uncertain significance. Review status: criteria provided, multiple submitters, no conflicts (2 of 4 stars). 2 submissions from 2 submitters: Uncertain significance (2). Last evaluated 2025-06-23.

Conditions:
Amyotrophic lateral sclerosis type 6. Also called: FUS-Related Amyotrophic Laterial Sclerosis; AMYOTROPHIC LATERAL SCLEROSIS 6 WITHOUT FRONTOTEMPORAL DEMENTIA; Amyotrophic lateral sclerosis 6, with or without frontotemporal dementia. Identifiers: Orphanet 275872, Orphanet 803, MedGen C2931786, MONDO:0011951, OMIM 608030.
Tremor, hereditary essential, 4 (ETM4). Identifiers: MedGen C3539195, MONDO:0013888, OMIM 614782.

Allele frequency attached by ClinVar (database versions not stated): gnomAD exomes 0.00001; TOPMed 0.00001.
gnomAD v4.1: 17 of 1,614,180 alleles (0.0011%); highest among the groups gnomAD compares: East Asian, 0.0022%; no homozygotes.

Submissions (2):

Labcorp Genetics (formerly Invitae), Labcorp
Classification: Uncertain significance for Tremor, hereditary essential, 4; Amyotrophic lateral sclerosis type 6. Last evaluated: 2025-06-23. Review status: criteria provided, single submitter. Criteria: Invitae Variant Classification Sherloc (09022015). Collection method: clinical testing. Allele origin: germline.
Comment: This sequence change replaces glycine, which is neutral and non-polar, with valine, which is neutral and non-polar, at codon 404 of the FUS protein (p.Gly404Val). This variant is not present in population databases (gnomAD no frequency). This variant has not been reported in the literature in individuals affected with FUS-related conditions. ClinVar contains an entry for this variant (Variation ID: 2430433). An algorithm developed to predict the effect of missense changes on protein structure and function (PolyPhen-2) suggests that this variant is likely to be tolerated. In summary, the available evidence is currently insufficient to determine the role of this variant in disease. Therefore, it has been classified as a Variant of Uncertain Significance.

GeneDx
Classification: Uncertain significance. Last evaluated: 2022-08-15. Review status: criteria provided, single submitter. Criteria: GeneDx Variant Classification Process June 2021. Collection method: clinical testing. Allele origin: germline. Affected: yes.
Comment: Not observed at significant frequency in large population cohorts (gnomAD); In silico analysis supports that this missense variant has a deleterious effect on protein structure/function; Has not been previously published as pathogenic or benign to our knowledge